The following is an entry in ClinVar:

NM_001113378.2(FANCI):c.106C>A (p.Gln36Lys)

Gene: FANCI (FA complementation group I; plus strand). Cytogenetic location: 15q26.1.
Variant type: single nucleotide variant.
Coding change: c.106C>A on transcript NM_001113378.2 (MANE Select); coding-DNA position 106, C replaced by A.
Protein change: p.Gln36Lys; replaces glutamine 36 with lysine.
Molecular consequence: missense variant. On other transcripts: 5 prime UTR variant (1).
Genome position (GRCh38, 1-based): chr15:89,258,725, C>A. VCF-style: chr15-89258725-C-A. GRCh37 (hg19) VCF-style: chr15-89801956-C-A.
Other names: c.-174C>A (NM_001376910.1); c.106C>A, p.Gln36Lys (NM_001376911.1, NM_018193.3); short protein forms Q36K.
Identifiers: ClinVar variation 2163334 (VCV002163334.4), dbSNP rs2505813961, ClinGen allele CA393737352.

ClinVar aggregate classification (germline): Uncertain significance (1 of 4 stars; one submission).

Conditions:
Fanconi anemia (FA). Also called: Fanconi's anemia. Identifiers: Orphanet 84, MedGen C0015625, MeSH D005199, MONDO:0019391.

Submission:

Labcorp Genetics (formerly Invitae), Labcorp
Classification: Uncertain significance for Fanconi anemia. Last evaluated: 2022-06-19. Review status: criteria provided, single submitter. Criteria: Invitae Variant Classification Sherloc (09022015). Collection method: clinical testing. Allele origin: germline.
Comment: In summary, the available evidence is currently insufficient to determine the role of this variant in disease. Therefore, it has been classified as a Variant of Uncertain Significance. Algorithms developed to predict the effect of missense changes on protein structure and function (SIFT, PolyPhen-2, Align-GVGD) all suggest that this variant is likely to be tolerated. This variant has not been reported in the literature in individuals affected with FANCI-related conditions. This variant is not present in population databases (gnomAD no frequency). This sequence change replaces glutamine, which is neutral and polar, with lysine, which is basic and polar, at codon 36 of the FANCI protein (p.Gln36Lys).